The following is an entry in ClinVar:

ClinVar aggregate classification (germline): Likely pathogenic (1 of 4 stars; one submission).

Submission:

Labcorp Genetics (formerly Invitae), Labcorp
Classification: Likely pathogenic. Last evaluated: 2021-09-02. Review status: criteria provided, single submitter. Criteria: Invitae Variant Classification Sherloc (09022015). Collection method: clinical testing. Allele origin: germline.
Comment: This sequence change affects a donor splice site in intron 26 of the NPHS1 gene. It is expected to disrupt RNA splicing and likely results in an absent or disrupted protein product. In summary, the currently available evidence indicates that the variant is pathogenic, but additional data are needed to prove that conclusively. Therefore, this variant has been classified as Likely Pathogenic. Donor and acceptor splice site variants typically lead to a loss of protein function (PMID: 16199547), and loss-of-function variants in NPHS1 are known to be pathogenic (PMID: 11317351, 11854170, 12039988). Algorithms developed to predict the effect of sequence changes on RNA splicing suggest that this variant may disrupt the consensus splice site, but this prediction has not been confirmed by published transcriptional studies. This variant has not been reported in the literature in individuals with NPHS1-related conditions. This variant is not present in population databases (ExAC no frequency).

Literature cited by the submitters: PubMed 16199547; PubMed 11317351; PubMed 11854170; PubMed 12039988.

NM_004646.4(NPHS1):c.3387+2T>C

Gene: NPHS1 (NPHS1 adhesion molecule, nephrin; minus strand). Cytogenetic location: 19q13.12.
Variant type: single nucleotide variant.
Coding change: c.3387+2T>C on transcript NM_004646.4 (MANE Select); the canonical splice donor site of the intron after coding-DNA position 3387, T replaced by C.
Molecular consequence: splice donor variant.
Genome position (GRCh38, 1-based): chr19:35,831,294, A>G on the plus strand (T>C on the coding strand, the complement: NPHS1 is on the minus strand). VCF-style: chr19-35831294-A-G. GRCh37 (hg19) VCF-style: chr19-36322196-A-G.
Identifiers: ClinVar variation 1068310 (VCV001068310.7), dbSNP rs2146807429, ClinGen allele CA405416466.